The following is an entry in ClinVar:

ClinVar aggregate classification (germline): Benign/Likely benign. Review status: criteria provided, multiple submitters, no conflicts (2 of 4 stars). 6 submissions from 6 submitters: Benign (1); Likely benign (4). 1 of the submissions does not count toward it. Last evaluated 2026-01-06.

Conditions:
MRPS7-related disorder. Also called: MRPS7-related condition.

Allele frequency attached by ClinVar (database versions not stated): 1000 Genomes Project 0.00120; 1000 Genomes Project 30x 0.00156; ESP Exome Variant Server 0.00169; TOPMed 0.00308.
gnomAD v4.1: 3,972 of 1,612,352 alleles (0.25%); highest among the groups gnomAD compares: Non-Finnish European, 0.28%; 3 homozygotes.

Submissions (6):

Labcorp Genetics (formerly Invitae), Labcorp
Classification: Benign. Last evaluated: 2026-01-06. Review status: criteria provided, single submitter. Criteria: Invitae Variant Classification Sherloc (09022015). Collection method: clinical testing. Allele origin: germline.

Mayo Clinic Laboratories, Mayo Clinic
Classification: Likely benign. Last evaluated: 2025-12-18. Review status: criteria provided, single submitter. Criteria: ACMG Guidelines, 2015. Collection method: clinical testing. Allele origin: germline. Observed: 1 variant allele.
Comment: BP4, BP7

CeGaT Center for Human Genetics Tuebingen
Classification: Likely benign. Last evaluated: 2025-12-01. Review status: criteria provided, single submitter. Criteria: CeGaT Center For Human Genetics Tuebingen Variant Classification Criteria Version 2. Collection method: clinical testing. Allele origin: germline. Affected: yes. Observed: 6 variant alleles.
Comment: MRPS7: BP4

Blueprint Genetics
Classification: Likely benign. Last evaluated: 2024-11-15. Review status: criteria provided, single submitter. Criteria: ACMG Guidelines, 2015. Collection method: clinical testing. Allele origin: germline.

GeneDx
Classification: Likely benign. Last evaluated: 2020-11-25. Review status: criteria provided, single submitter. Criteria: GeneDx Variant Classification Process June 2021. Collection method: clinical testing. Allele origin: germline. Affected: yes.

PreventionGenetics, part of Exact Sciences
Classification: Likely benign for MRPS7-related condition. Last evaluated: 2024-04-23. Review status: no assertion criteria provided. Collection method: clinical testing. Allele origin: germline. Not counted in ClinVar's aggregate classification.
Comment: This variant is classified as likely benign based on ACMG/AMP sequence variant interpretation guidelines (Richards et al. 2015 PMID: 25741868, with internal and published modifications).

NM_015971.4(MRPS7):c.84-8C>T

Gene: MRPS7 (mitochondrial ribosomal protein S7; plus strand). Cytogenetic location: 17q25.1.
Variant type: single nucleotide variant.
Coding change: c.84-8C>T on transcript NM_015971.4 (MANE Select); 8 bases into the intron before coding-DNA position 84, C replaced by T.
Molecular consequence: intron variant.
Genome position (GRCh38, 1-based): chr17:75,262,489, C>T. VCF-style: chr17-75262489-C-T. GRCh37 (hg19) VCF-style: chr17-73258570-C-T.
Other names: p.?.
Identifiers: ClinVar variation 386929 (VCV000386929.35), dbSNP rs200570062, ClinGen allele CA8760283.
Genomic context (GRCh38, chr17:75,262,489, plus strand): 5'-TTGTTAAGTCAAACCTACTCGCTTGTGGAGTCAGCTTTTGCCTGCCTCCTCCTTTCCCCC[C>T]CTCCCAGGCTAACTCAGGTGAGATGGAGCCGCTATAGTCCTGAATTCAAGGATCCCTTGA-3'